The following is an entry in ClinVar:

ClinVar aggregate classification (germline): Uncertain significance (1 of 4 stars; one submission).

Conditions:
Duchenne muscular dystrophy (DMD). Also called: MUSCULAR DYSTROPHY, PSEUDOHYPERTROPHIC PROGRESSIVE, DUCHENNE TYPE; Duchenne Muscular Dystrophy (DMD). Identifiers: Orphanet 98896, MedGen C0013264, MONDO:0010679, OMIM 310200.

Submission:

Labcorp Genetics (formerly Invitae), Labcorp
Classification: Uncertain significance for Duchenne muscular dystrophy. Last evaluated: 2024-07-01. Review status: criteria provided, single submitter. Criteria: Invitae Variant Classification Sherloc (09022015). Collection method: clinical testing. Allele origin: germline.
Comment: This sequence change replaces glutamic acid, which is acidic and polar, with valine, which is neutral and non-polar, at codon 1270 of the DMD protein (p.Glu1270Val). This variant is not present in population databases (gnomAD no frequency). This variant has not been reported in the literature in individuals affected with DMD-related conditions. ClinVar contains an entry for this variant (Variation ID: 1418476). Advanced modeling of protein sequence and biophysical properties (such as structural, functional, and spatial information, amino acid conservation, physicochemical variation, residue mobility, and thermodynamic stability) performed at Invitae indicates that this missense variant is not expected to disrupt DMD protein function with a negative predictive value of 95%. In summary, the available evidence is currently insufficient to determine the role of this variant in disease. Therefore, it has been classified as a Variant of Uncertain Significance.

NM_004006.3(DMD):c.3809A>T (p.Glu1270Val)

Gene: DMD (dystrophin; minus strand). Cytogenetic location: Xp21.1.
Variant type: single nucleotide variant.
Coding change: c.3809A>T on transcript NM_004006.3 (MANE Select); coding-DNA position 3809, A replaced by T.
Protein change: p.Glu1270Val; replaces glutamic acid 1270 with valine.
Molecular consequence: missense variant.
Genome position (GRCh38, 1-based): chrX:32,441,292, T>A on the plus strand (A>T on the coding strand, the complement: DMD is on the minus strand). VCF-style: chrX-32441292-T-A. GRCh37 (hg19) VCF-style: chrX-32459409-T-A.
Other names: c.3785A>T, p.Glu1262Val (NM_000109.4); c.3797A>T, p.Glu1266Val (NM_004009.3); c.3440A>T, p.Glu1147Val (NM_004010.3); short protein forms E1266V, E1270V, E1262V, E1147V.
Identifiers: ClinVar variation 1418476 (VCV001418476.8), dbSNP rs2148222681, ClinGen allele CA412670569.